The following is an entry in ClinVar:

NM_145290.4(ADGRA3):c.622A>G (p.Thr208Ala)

Gene: ADGRA3 (adhesion G protein-coupled receptor A3; minus strand). Cytogenetic location: 4p15.2.
Variant type: single nucleotide variant.
Coding change: c.622A>G on transcript NM_145290.4 (MANE Select); coding-DNA position 622, A replaced by G.
Protein change: p.Thr208Ala; replaces threonine 208 with alanine.
Molecular consequence: missense variant.
Genome position (GRCh38, 1-based): chr4:22,445,057, T>C on the plus strand (A>G on the coding strand, the complement: ADGRA3 is on the minus strand). VCF-style: chr4-22445057-T-C. GRCh37 (hg19) VCF-style: chr4-22446680-T-C.
Other names: c.622A>G (NM_145290.2); short protein forms T208A.
Identifiers: ClinVar variation 1001418 (VCV001001418.8), dbSNP rs1018423478, ClinGen allele CA93527755.
Genomic context (GRCh38, chr4:22,445,057, plus strand): 5'-CGCCTGTGACTGGTTGGGCCTGCAGTGACTTAGGATAAACACACCTGGTATCCCGTACCG[T>C]GATGTTCTTCTCCTTTACCCAGCGATGCATCCACAGTATGTTACAGTCACACAAAAGATA-3'
Protein context (NP_660333.2, residues 198-218): MHRWVKEKNI[Thr208Ala]VRDTRCVYPK

ClinVar aggregate classification (germline): Uncertain significance. Review status: criteria provided, multiple submitters, no conflicts (2 of 4 stars). 2 submissions from 2 submitters: Uncertain significance (2). Last evaluated 2025-05-18.

Allele frequency attached by ClinVar (database versions not stated): gnomAD exomes below 0.00001; gnomAD 0.00003; TOPMed 0.00004.
gnomAD v4.1: 9 of 1,613,872 alleles (0.00056%); highest among the groups gnomAD compares: African/African-American, 0.012%; no homozygotes.

Submissions (2):

Ambry Genetics
Classification: Uncertain significance. Last evaluated: 2025-05-18. Review status: criteria provided, single submitter. Criteria: Ambry Variant Classification Scheme 2023. Collection method: clinical testing. Allele origin: germline.

Labcorp Genetics (formerly Invitae), Labcorp
Classification: Uncertain significance. Last evaluated: 2023-05-22. Review status: criteria provided, single submitter. Criteria: Invitae Variant Classification Sherloc (09022015). Collection method: clinical testing. Allele origin: germline.
Comment: This variant is present in population databases (no rsID available, gnomAD 0.01%). This sequence change replaces threonine, which is neutral and polar, with alanine, which is neutral and non-polar, at codon 208 of the ADGRA3 protein (p.Thr208Ala). In summary, the available evidence is currently insufficient to determine the role of this variant in disease. Therefore, it has been classified as a Variant of Uncertain Significance. An algorithm developed to predict the effect of missense changes on protein structure and function (PolyPhen-2) suggests that this variant is likely to be tolerated. ClinVar contains an entry for this variant (Variation ID: 1001418). This variant has not been reported in the literature in individuals affected with ADGRA3-related conditions.